The following is an entry in ClinVar:

ClinVar aggregate classification (germline): Uncertain significance (1 of 4 stars; one submission).

Conditions:
Low phospholipid associated cholelithiasis (GBD1). Also called: Gallbladder disease 1; Gallstone cholecystitis. Identifiers: Orphanet 69663, MedGen C2609268, MONDO:0010939, OMIM 600803.

Submission:

Genomenon, Inc
Classification: Uncertain significance for Low phospholipid associated cholelithiasis. Last evaluated: 2026-04-14. Review status: criteria provided, single submitter. Criteria: Genomenon Sequence Variant Interpretation Standards - Updated. Collection method: curation. Allele origin: germline. Affected: yes.
Comment: ABCB4 p.Glu513Lys (c.1537G>A) is a missense variant that changes the amino acid at residue 513 from Glutamic acid to Lysine. This variant has been observed in at least one proband with an ABCB4-related disorder (PMID:23533021). It is absent or not present at a significant frequency in gnomAD. In conclusion, we classify ABCB4 p.Glu513Lys (c.1537G>A) as a variant of uncertain significance.

Literature cited by the submitters: PubMed 23533021.

NM_000443.4(ABCB4):c.1537G>A (p.Glu513Lys)

Gene: ABCB4 (ATP binding cassette subfamily B member 4; minus strand). Cytogenetic location: 7q21.12.
Variant type: single nucleotide variant.
Coding change: c.1537G>A on transcript NM_000443.4 (MANE Select); coding-DNA position 1537, G replaced by A.
Protein change: p.Glu513Lys; replaces glutamic acid 513 with lysine.
Molecular consequence: missense variant.
Genome position (GRCh38, 1-based): chr7:87,440,222, C>T on the plus strand (G>A on the coding strand, the complement: ABCB4 is on the minus strand). VCF-style: chr7-87440222-C-T. GRCh37 (hg19) VCF-style: chr7-87069538-C-T.
Other names: c.1537G>A, p.Glu513Lys (NM_018849.3, NM_018850.3); short protein forms E513K.
Identifiers: ClinVar variation 4846435 (VCV004846435.1).